The following is an entry in ClinVar:

NM_005726.6(TSFM):c.716del (p.Ile239fs)

Gene: TSFM (Ts translation elongation factor, mitochondrial; plus strand). Cytogenetic location: 12q14.1.
Variant type: Deletion.
Coding change: c.716del on transcript NM_005726.6 (MANE Select); coding-DNA position 716, one base deleted (T; older notation c.716delT).
Protein change: p.Ile239fs; shifts the reading frame from isoleucine 239.
Molecular consequence: frameshift variant. On other transcripts: 3 prime UTR variant (1), intron variant (1).
Genome position (GRCh38, 1-based): chr12:57,796,321, T deleted. VCF-style (leftmost placement, unchanged base first): chr12-57796320-AT-A. GRCh37 (hg19) VCF-style: chr12-58190103-AT-A.
Other names: c.*124del (NM_001172695.2); c.779del, p.Ile260fs (NM_001172696.2); c.571+3248del (NM_001172697.2); short protein forms I260fs, I239fs.
Identifiers: ClinVar variation 2989620 (VCV002989620.3), dbSNP rs2540965278, ClinGen allele CA2740092415.

ClinVar aggregate classification (germline): Pathogenic (1 of 4 stars; one submission).

Submission:

Labcorp Genetics (formerly Invitae), Labcorp
Classification: Pathogenic. Last evaluated: 2023-05-30. Review status: criteria provided, single submitter. Criteria: Invitae Variant Classification Sherloc (09022015). Collection method: clinical testing. Allele origin: germline.
Comment: For these reasons, this variant has been classified as Pathogenic. This variant disrupts a region of the TSFM protein in which other variant(s) (p.Cys336Tyr) have been determined to be pathogenic (PMID: 25037205). This suggests that this is a clinically significant region of the protein, and that variants that disrupt it are likely to be disease-causing. This variant has not been reported in the literature in individuals affected with TSFM-related conditions. This variant is not present in population databases (gnomAD no frequency). This sequence change creates a premature translational stop signal (p.Ile260Thrfs*69) in the TSFM gene. While this is not anticipated to result in nonsense mediated decay, it is expected to disrupt the last 87 amino acid(s) of the TSFM protein.

Literature cited by the submitters: PubMed 25037205.